The following is an entry in ClinVar:

NM_005732.4(RAD50):c.2900A>T (p.Asp967Val)

Gene: RAD50 (RAD50 double strand break repair protein; plus strand). Cytogenetic location: 5q31.1.
Variant type: single nucleotide variant.
Coding change: c.2900A>T on transcript NM_005732.4 (MANE Select); coding-DNA position 2900, A replaced by T.
Protein change: p.Asp967Val; replaces aspartic acid 967 with valine.
Molecular consequence: missense variant.
Genome position (GRCh38, 1-based): chr5:132,609,187, A>T. VCF-style: chr5-132609187-A-T. GRCh37 (hg19) VCF-style: chr5-131944879-A-T.
Other names: short protein forms D967V.
Identifiers: ClinVar variation 3429531 (VCV003429531.1).

ClinVar aggregate classification (germline): Uncertain significance (1 of 4 stars; one submission).

Conditions:
Hereditary cancer-predisposing syndrome. Also called: Neoplastic Syndromes, Hereditary; Tumor predisposition; Hereditary Cancer Syndrome; Hereditary neoplastic syndrome. Identifiers: Orphanet 140162, MedGen C0027672, MeSH D009386, MONDO:0015356.

gnomAD v4.1: 2 of 1,611,898 alleles (0.00012%); highest among the groups gnomAD compares: Non-Finnish European, 0.00017%; no homozygotes.

Submission:

Ambry Genetics
Classification: Uncertain significance for Hereditary cancer-predisposing syndrome. Last evaluated: 2024-11-17. Review status: criteria provided, single submitter. Criteria: Ambry Variant Classification Scheme 2023. Collection method: clinical testing. Allele origin: germline.
Comment: The p.D967V variant (also known as c.2900A>T), located in coding exon 18 of the RAD50 gene, results from an A to T substitution at nucleotide position 2900. The aspartic acid at codon 967 is replaced by valine, an amino acid with highly dissimilar properties. This amino acid position is conserved. In addition, the in silico prediction for this alteration is inconclusive. Based on the available evidence, the clinical significance of this variant remains unclear.